The following is an entry in ClinVar:

ClinVar aggregate classification (germline): Pathogenic (1 of 4 stars; one submission).

Conditions:
Niemann-Pick disease, type C1. Also called: NIEMANN-PICK DISEASE, VARIANT TYPE C1; NIEMANN-PICK DISEASE WITHOUT SPHINGOMYELINASE DEFICIENCY; NIEMANN-PICK DISEASE, CHRONIC NEURONOPATHIC FORM; NEUROVISCERAL STORAGE DISEASE WITH VERTICAL SUPRANUCLEAR OPHTHALMOPLEGIA; NIEMANN-PICK DISEASE WITH CHOLESTEROL ESTERIFICATION BLOCK. Identifiers: Orphanet 646, MedGen C3179455, MONDO:0009757, OMIM 257220.

Submission:

Labcorp Genetics (formerly Invitae), Labcorp
Classification: Pathogenic for Niemann-Pick disease, type C1. Last evaluated: 2025-01-27. Review status: criteria provided, single submitter. Criteria: Invitae Variant Classification Sherloc (09022015). Collection method: clinical testing. Allele origin: germline.
Comment: This sequence change creates a premature translational stop signal (p.Tyr1037Serfs*2) in the NPC1 gene. It is expected to result in an absent or disrupted protein product. Loss-of-function variants in NPC1 are known to be pathogenic (PMID: 9211850). This variant is not present in population databases (gnomAD no frequency). This variant has not been reported in the literature in individuals affected with NPC1-related conditions. ClinVar contains an entry for this variant (Variation ID: 1453633). Algorithms developed to predict the effect of sequence changes on RNA splicing suggest that this variant may disrupt the consensus splice site. For these reasons, this variant has been classified as Pathogenic.

Literature cited by the submitters: PubMed 9211850.

NM_000271.5(NPC1):c.3108_3111del (p.Tyr1037fs)

Gene: NPC1 (NPC intracellular cholesterol transporter 1; minus strand). Cytogenetic location: 18q11.2.
Variant type: Deletion.
Coding change: c.3108_3111del on transcript NM_000271.5 (MANE Select); coding-DNA positions 3108 to 3111, 4 bases deleted (GTAC; older notation c.3108_3111delGTAC).
Protein change: p.Tyr1037fs; shifts the reading frame from tyrosine 1037.
Molecular consequence: frameshift variant.
Genome position (GRCh38, 1-based): chr18:23,536,807-23,536,810, GTAC deleted on the plus strand (GTAC on the coding strand, the reverse complement: NPC1 is on the minus strand); deleting any 4 consecutive bases within chr18:23,536,807-23,536,812 gives the same sequence; the c. name uses the placement nearest the transcript's 3' end. VCF-style (leftmost placement, unchanged base first): chr18-23536806-AGTAC-A. GRCh37 (hg19) VCF-style: chr18-21116770-AGTAC-A.
Other names: short protein forms Y1037fs.
Identifiers: ClinVar variation 1453633 (VCV001453633.6), dbSNP rs2145357685, ClinGen allele CA2573155194.